The following is an entry in ClinVar:

NM_024426.6(WT1):c.451T>C (p.Trp151Arg)

Genes: WT1 (WT1 transcription factor; minus strand), LOC107982234 (WT1/WT1-AS bi-directional promoter region; plus strand). Cytogenetic location: 11p13.
Variant type: single nucleotide variant.
Coding change: c.451T>C on transcript NM_024426.6 (MANE Select); coding-DNA position 451, T replaced by C.
Protein change: p.Trp151Arg; replaces tryptophan 151 with arginine.
Molecular consequence: missense variant. On other transcripts: non-coding transcript variant (2).
Genome position (GRCh38, 1-based): chr11:32,434,910, A>G on the plus strand (T>C on the coding strand, the complement: WT1 is on the minus strand). VCF-style: chr11-32434910-A-G. GRCh37 (hg19) VCF-style: chr11-32456456-A-G.
Other names: c.451T>C, p.Trp151Arg (NM_000378.6, NM_001407044.1, NM_001407045.1 and 6 more transcripts); c.232T>C, p.Trp78Arg (NM_001429031.1, NM_001429032.1, NM_001429033.1 and 1 more transcripts); short protein forms W78R, W146R, W151R.
Identifiers: ClinVar variation 4792786 (VCV004792786.1).

ClinVar aggregate classification (germline): Uncertain significance (1 of 4 stars; one submission).

Conditions:
Wilms tumor 1 (WT1). Also called: Wilms tumor, somatic. Identifiers: Orphanet 654, MedGen CN033288, MONDO:0008679, OMIM 194070.
Frasier syndrome. Identifiers: Orphanet 347, MedGen C0950122, MeSH D052159, MONDO:0007635, OMIM 136680.
Drash syndrome (DDS). Also called: NEPHROPATHY, WILMS TUMOR, AND GENITAL ANOMALIES; WILMS TUMOR AND PSEUDO- OR TRUE HERMAPHRODITISM. Identifiers: Orphanet 220, MedGen C0950121, MONDO:0008682, OMIM 194080.
11p partial monosomy syndrome (WAGR). Also called: CHROMOSOME 11p13 DELETION SYNDROME; WAGR syndrome; WAGR Complex; WAGR Spectrum Disorder. Identifiers: Orphanet 893, MedGen C0206115, MONDO:0008681, OMIM 194072.

Submission:

Labcorp Genetics (formerly Invitae), Labcorp
Classification: Uncertain significance for Wilms tumor 1; Drash syndrome; 11p partial monosomy syndrome; Frasier syndrome. Last evaluated: 2025-05-18. Review status: criteria provided, single submitter. Criteria: Invitae Variant Classification Sherloc (09022015). Collection method: clinical testing. Allele origin: germline.
Comment: This sequence change replaces tryptophan, which is neutral and slightly polar, with arginine, which is basic and polar, at codon 146 of the WT1 protein (p.Trp146Arg). This variant is not present in population databases (gnomAD no frequency). This variant has not been reported in the literature in individuals affected with WT1-related conditions. Invitae Evidence Modeling of protein sequence and biophysical properties (such as structural, functional, and spatial information, amino acid conservation, physicochemical variation, residue mobility, and thermodynamic stability) indicates that this missense variant is expected to disrupt WT1 protein function with a positive predictive value of 80%. In summary, the available evidence is currently insufficient to determine the role of this variant in disease. Therefore, it has been classified as a Variant of Uncertain Significance.